The following is an entry in ClinVar:

Conditions:
Breast-ovarian cancer, familial, susceptibility to, 1 (BROVCA1). Also called: BRCA1 Hereditary Breast and Ovarian Cancer; OVARIAN CANCER, SUSCEPTIBILITY TO. Identifiers: Orphanet 145, MedGen C2676676, MONDO:0011450, OMIM 604370. Disease mechanism: loss of function.

Submission:

Brotman Baty Institute, University of Washington
No classification provided (evidence only). Condition: Breast-ovarian cancer, familial 1. Review status: no classification provided. Collection method: in vitro. Allele origin: not applicable. Functional consequence: functionally_abnormal.
ClinVar note: "not provided" was previously submitted as the classification for the variant. However, the classification appeared to be based only on an observation of functional data so it was converted to no classification on 2025-07-30.

NM_007294.4(BRCA1):c.5122G>C (p.Ala1708Pro)

Gene: BRCA1 (BRCA1 DNA repair associated; minus strand). Cytogenetic location: 17q21.31.
Variant type: single nucleotide variant.
Coding change: c.5122G>C on transcript NM_007294.4 (MANE Select); coding-DNA position 5122, G replaced by C.
Protein change: p.Ala1708Pro; replaces alanine 1708 with proline.
Molecular consequence: missense variant. On other transcripts: non-coding transcript variant (1).
Genome position (GRCh38, 1-based): chr17:43,063,904, C>G on the plus strand (G>C on the coding strand, the complement: BRCA1 is on the minus strand). VCF-style: chr17-43063904-C-G. GRCh37 (hg19) VCF-style: chr17-41215921-C-G.
Other names: c.1282G>C, p.Ala428Pro (NM_001408513.1); c.886G>C, p.Ala296Pro (NM_001408514.1); c.4981G>C, p.Ala1661Pro (NM_007297.4, NM_001407725.1, NM_001407726.1 and 13 more transcripts); c.1810G>C, p.Ala604Pro (NM_007298.4, NM_007299.4, NM_007304.2 and 13 more transcripts); c.5185G>C, p.Ala1729Pro (NM_007300.4, NM_001407583.1, NM_001407585.1 and 1 more transcripts); c.4909G>C, p.Ala1637Pro (NM_001407571.1, NM_001407894.1, NM_001407895.1 and 12 more transcripts); c.5188G>C, p.Ala1730Pro (NM_001407581.1, NM_001407582.1); c.5182G>C, p.Ala1728Pro (NM_001407590.1, NM_001407591.1); and 71 more; short protein forms A1708P, A1729P, A604P, A1661P, A1411P, A1595P, A1596P, A1597P.
Identifiers: ClinVar variation 864981 (VCV000864981.3), dbSNP rs397507243, ClinGen allele CA10591292.